The following is an entry in ClinVar:

NM_198241.3(EIF4G1):c.1147C>T (p.Pro383Ser)

Gene: EIF4G1 (eukaryotic translation initiation factor 4 gamma 1; plus strand). Cytogenetic location: 3q27.1.
Variant type: single nucleotide variant.
Coding change: c.1147C>T on transcript NM_198241.3 (MANE Select); coding-DNA position 1147, C replaced by T.
Protein change: p.Pro383Ser; replaces proline 383 with serine.
Molecular consequence: missense variant.
Genome position (GRCh38, 1-based): chr3:184,321,731, C>T. VCF-style: chr3-184321731-C-T. GRCh37 (hg19) VCF-style: chr3-184039519-C-T.
Other names: c.1168C>T, p.Pro390Ser (NM_001194946.2, NM_001194947.2); c.1027C>T, p.Pro343Ser (NM_001291157.2); c.559C>T, p.Pro187Ser (NM_004953.5); c.1147C>T, p.Pro383Ser (NM_182917.4); c.655C>T, p.Pro219Ser (NM_198242.3); c.886C>T, p.Pro296Ser (NM_198244.3); short protein forms P187S, P219S, P296S, P343S, P383S, P390S.
Identifiers: ClinVar variation 3388565 (VCV003388565.14).

ClinVar aggregate classification (germline): Likely benign (1 of 4 stars; one submission).

gnomAD v4.1: 17 of 1,596,022 alleles (0.0011%); highest among the groups gnomAD compares: Non-Finnish European, 0.0014%; 1 homozygote.

Submission:

CeGaT Center for Human Genetics Tuebingen
Classification: Likely benign. Last evaluated: 2024-09-01. Review status: criteria provided, single submitter. Criteria: CeGaT Center For Human Genetics Tuebingen Variant Classification Criteria Version 2. Collection method: clinical testing. Allele origin: germline. Affected: yes. Observed: 1 variant allele.
Comment: EIF4G1: BP4